The following is an entry in ClinVar:

ClinVar aggregate classification (germline): Conflicting classifications of pathogenicity. Review status: criteria provided, conflicting classifications (1 of 4 stars). 2 submissions from 2 submitters: Likely pathogenic (1); Uncertain significance (1). Last evaluated 2017-12-26.

Conditions:
Familial hypocalciuric hypercalcemia (FHH). Also called: Familial benign hypercalcemia. Identifiers: Orphanet 405, MedGen C1809471, MONDO:0018458.
Autosomal dominant hypocalcemia 1 (HYPOC1). Also called: HYPOCALCEMIA, FAMILIAL. Identifiers: MedGen C3715128, MONDO:0011013, OMIM 601198.

Submissions (2):

Genetic Services Laboratory, University of Chicago
Classification: Likely pathogenic. Last evaluated: 2017-12-26. Review status: criteria provided, single submitter. Criteria: ACMG Guidelines, 2015. Collection method: clinical testing. Allele origin: germline. Affected: yes.

Labcorp Genetics (formerly Invitae), Labcorp
Classification: Uncertain significance for Familial hypocalciuric hypercalcemia; Autosomal dominant hypocalcemia 1. Last evaluated: 2017-10-22. Review status: criteria provided, single submitter. Criteria: Invitae Variant Classification Sherloc (09022015). Collection method: clinical testing. Allele origin: germline.
Comment: This variant is not present in population databases (ExAC no frequency). This sequence change replaces leucine with arginine at codon 679 of the CASR protein (p.Leu679Arg). The leucine residue is highly conserved and there is a moderate physicochemical difference between leucine and arginine. This variant has not been reported in the literature in individuals with CASR-related disease. Algorithms developed to predict the effect of missense changes on protein structure and function (SIFT, PolyPhen-2, Align-GVGD) all suggest that this variant is likely to be disruptive, but these predictions have not been confirmed by published functional studies and their clinical significance is uncertain. In summary, the available evidence is currently insufficient to determine the role of this variant in disease. Therefore, it has been classified as a Variant of Uncertain Significance.

NM_000388.4(CASR):c.2036T>G (p.Leu679Arg)

Gene: CASR (calcium sensing receptor; plus strand). Cytogenetic location: 3q21.1.
Variant type: single nucleotide variant.
Coding change: c.2036T>G on transcript NM_000388.4 (MANE Select); coding-DNA position 2036, T replaced by G.
Protein change: p.Leu679Arg; replaces leucine 679 with arginine.
Molecular consequence: missense variant.
Genome position (GRCh38, 1-based): chr3:122,283,990, T>G. VCF-style: chr3-122283990-T-G. GRCh37 (hg19) VCF-style: chr3-122002837-T-G.
Other names: c.2066T>G, p.Leu689Arg (NM_001178065.2); short protein forms L679R, L689R.
Identifiers: ClinVar variation 532594 (VCV000532594.13), dbSNP rs1553768983, ClinGen allele CA354158355.